The following is an entry in ClinVar:

NM_005633.4(SOS1):c.1099C>G (p.Gln367Glu)

Gene: SOS1 (SOS Ras/Rac guanine nucleotide exchange factor 1; minus strand). Cytogenetic location: 2p22.1.
Variant type: single nucleotide variant.
Coding change: c.1099C>G on transcript NM_005633.4 (MANE Select); coding-DNA position 1099, C replaced by G.
Protein change: p.Gln367Glu; replaces glutamine 367 with glutamic acid.
Molecular consequence: missense variant.
Genome position (GRCh38, 1-based): chr2:39,024,113, G>C on the plus strand (C>G on the coding strand, the complement: SOS1 is on the minus strand). VCF-style: chr2-39024113-G-C. GRCh37 (hg19) VCF-style: chr2-39251254-G-C.
Other names: c.1078C>G, p.Gln360Glu (NM_001382394.1); c.1099C>G, p.Gln367Glu (NM_001382395.1); short protein forms Q367E, Q360E.
Identifiers: ClinVar variation 1952333 (VCV001952333.7), dbSNP rs2529042919, ClinGen allele CA346366979.
Genomic context (GRCh38, chr2:39,024,113, plus strand): 5'-TACCACTCTGAACATTAAGCAAAGCTGTTATTGCTTGTTTTAAACATTCCTTGTCTTCTT[G>C]ATCTTCACTTTTTTCTTCTAACTGCTGTAAAGCCAAAATGACAAATCTGAACCAGTAGTA-3'
Protein context (NP_005624.2, residues 357-377): LKQLEEKSED[Gln367Glu]EDKECLKQAI

ClinVar aggregate classification (germline): Uncertain significance. Review status: criteria provided, multiple submitters, no conflicts (2 of 4 stars). 3 submissions from 3 submitters: Uncertain significance (3). Last evaluated 2024-05-20.

Conditions:
RASopathy. Also called: Noonan spectrum disorder; rasopathies. Identifiers: Orphanet 536391, MedGen C5555857, MONDO:0021060.
Cardiovascular phenotype. Identifiers: MedGen CN230736.

Submissions (3):

Labcorp Genetics (formerly Invitae), Labcorp
Classification: Uncertain significance for RASopathy. Last evaluated: 2024-05-20. Review status: criteria provided, single submitter. Criteria: Invitae Variant Classification Sherloc (09022015). Collection method: clinical testing. Allele origin: germline.
Comment: This sequence change replaces glutamine, which is neutral and polar, with glutamic acid, which is acidic and polar, at codon 367 of the SOS1 protein (p.Gln367Glu). This variant is not present in population databases (gnomAD no frequency). This variant has not been reported in the literature in individuals affected with SOS1-related conditions. ClinVar contains an entry for this variant (Variation ID: 1952333). Advanced modeling of protein sequence and biophysical properties (such as structural, functional, and spatial information, amino acid conservation, physicochemical variation, residue mobility, and thermodynamic stability) performed at Invitae indicates that this missense variant is not expected to disrupt SOS1 protein function with a negative predictive value of 95%. In summary, the available evidence is currently insufficient to determine the role of this variant in disease. Therefore, it has been classified as a Variant of Uncertain Significance.

Ambry Genetics
Classification: Uncertain significance for Cardiovascular phenotype. Last evaluated: 2024-05-02. Review status: criteria provided, single submitter. Criteria: Ambry Variant Classification Scheme 2023. Collection method: clinical testing. Allele origin: germline.
Comment: The p.Q367E variant (also known as c.1099C>G), located in coding exon 9 of the SOS1 gene, results from a C to G substitution at nucleotide position 1099. The glutamine at codon 367 is replaced by glutamic acid, an amino acid with highly similar properties. This amino acid position is conserved. In addition, this alteration is predicted to be tolerated by in silico analysis. Based on the available evidence, the clinical significance of this variant remains unclear.

Blueprint Genetics
Classification: Uncertain significance. Last evaluated: 2022-06-17. Review status: criteria provided, single submitter. Criteria: ACMG Guidelines, 2015. Collection method: clinical testing. Allele origin: germline.